The following is an entry in ClinVar:

ClinVar aggregate classification (germline): Pathogenic (1 of 4 stars; one submission).

Conditions:
Intellectual developmental disorder, autosomal dominant 30, with speech delay and behavioral abnormalities. Also called: Intellectual disability, autosomal dominant 30. Identifiers: Orphanet 436151, MedGen C4015167, MONDO:0014486, OMIM 616083.

Submission:

Institute of Human Genetics, University of Leipzig Medical Center
Classification: Pathogenic for Intellectual developmental disorder, autosomal dominant 30, with speech delay and behavioral abnormalities. Last evaluated: 2021-04-13. Review status: criteria provided, single submitter. Criteria: ACMG Guidelines, 2015. Collection method: clinical testing. Allele origin: de novo. Inheritance: Sporadic. Affected: yes.
Comment: Mild ID; asymmetric quadriparesis; MRI temporoparietal polymicrogyriaDysmorphism: None

NM_001370100.5(ZMYND11):c.1129del (p.Ser377fs)

Gene: ZMYND11 (zinc finger MYND-type containing 11; plus strand). Cytogenetic location: 10p15.3.
Variant type: Deletion.
Coding change: c.1129del on transcript NM_001370100.5 (MANE Select); coding-DNA position 1129, one base deleted (T; older notation c.1129delT).
Protein change: p.Ser377fs; shifts the reading frame from serine 377.
Molecular consequence: frameshift variant. On other transcripts: non-coding transcript variant (1).
Genome position (GRCh38, 1-based): chr10:246,944, T deleted. VCF-style (leftmost placement, unchanged base first): chr10-246943-AT-A. GRCh37 (hg19) VCF-style: chr10-292883-AT-A.
Other names: c.874del, p.Ser292fs (NM_001370110.2, NM_001202465.3); c.964del, p.Ser322fs (NM_001370111.2, NM_001202466.3); c.1078del, p.Ser360fs (NM_001370112.2, NM_001330057.3); c.1036del, p.Ser346fs (NM_001370113.2, NM_001370114.2); c.1126del, p.Ser376fs (NM_001370115.2, NM_212479.4); c.1063del, p.Ser355fs (NM_001370116.2); c.1129del, p.Ser377fs (NM_001370117.2, NM_006624.7, NM_001202468.1 and 5 more transcripts); c.1009del, p.Ser337fs (NM_001370118.2); and 7 more; short protein forms S220fs, S258fs, S275fs, S283fs, S292fs, S301fs, S322fs, S323fs.
Identifiers: ClinVar variation 1064584 (VCV001064584.1), dbSNP rs2131927984, ClinGen allele CA2499220214.